The following is an entry in ClinVar:

ClinVar aggregate classification (germline): Likely benign (0 of 4 stars; one submission).

Conditions:
SLC17A9-related disorder. Also called: SLC17A9-related condition.

Allele frequency attached by ClinVar (database versions not stated): ExAC 0.00054; gnomAD 0.00121; ESP Exome Variant Server 0.00142; 1000 Genomes Project 0.00180; 1000 Genomes Project 30x 0.00187.
gnomAD v4.1: 332 of 1,613,660 alleles (0.021%); highest among the groups gnomAD compares: African/African-American, 0.41%; no homozygotes.

Submission:

PreventionGenetics, part of Exact Sciences
Classification: Likely benign for SLC17A9-related condition. Last evaluated: 2023-05-22. Review status: no assertion criteria provided. Collection method: clinical testing. Allele origin: germline.
Comment: This variant is classified as likely benign based on ACMG/AMP sequence variant interpretation guidelines (Richards et al. 2015 PMID: 25741868, with internal and published modifications).

NM_022082.4(SLC17A9):c.190A>T (p.Ile64Phe)

Gene: SLC17A9 (solute carrier family 17 member 9; plus strand). Cytogenetic location: 20q13.33.
Variant type: single nucleotide variant.
Coding change: c.190A>T on transcript NM_022082.4 (MANE Select); coding-DNA position 190, A replaced by T.
Protein change: p.Ile64Phe; replaces isoleucine 64 with phenylalanine.
Molecular consequence: missense variant.
Genome position (GRCh38, 1-based): chr20:62,956,895, A>T. VCF-style: chr20-62956895-A-T. GRCh37 (hg19) VCF-style: chr20-61588247-A-T.
Other names: c.172A>T, p.Ile58Phe (NM_001302643.2); short protein forms I58F, I64F.
Identifiers: ClinVar variation 3045682 (VCV003045682.2), dbSNP rs114626579, ClinGen allele CA9952789.